The following is an entry in ClinVar:

ClinVar aggregate classification (germline): Uncertain significance (1 of 4 stars; one submission).

gnomAD v4.1: 1 of 1,603,356 alleles (0.000062%); highest among the groups gnomAD compares: Non-Finnish European, 0.000085%; no homozygotes.

Submission:

GeneDx
Classification: Uncertain significance. Last evaluated: 2024-08-15. Review status: criteria provided, single submitter. Criteria: GeneDx Variant Classification Process June 2021. Collection method: clinical testing. Allele origin: germline. Affected: yes.
Comment: Not observed at significant frequency in large population cohorts (gnomAD); In silico analysis supports that this missense variant has a deleterious effect on protein structure/function; Has not been previously published as pathogenic or benign to our knowledge

NM_006941.4(SOX10):c.709G>A (p.Gly237Ser)

Genes: POLR2F (RNA polymerase II, I and III subunit F; plus strand), SOX10 (SRY-box transcription factor 10; minus strand). Cytogenetic location: 22q13.1.
Variant type: single nucleotide variant.
Coding change: c.709G>A on transcript NM_006941.4 (MANE Select); coding-DNA position 709, G replaced by A.
Protein change: p.Gly237Ser; replaces glycine 237 with serine.
Molecular consequence: missense variant. On other transcripts: intron variant (3).
Genome position (GRCh38, 1-based): chr22:37,974,187, C>T on the plus strand (G>A on the coding strand, the complement: SOX10 is on the minus strand). VCF-style: chr22-37974187-C-T. GRCh37 (hg19) VCF-style: chr22-38370194-C-T.
Other names: c.*38+1877C>T (NM_001363825.1); c.293+7017C>T (NM_001301130.2, NM_001301131.2); short protein forms G237S.
Identifiers: ClinVar variation 3731024 (VCV003731024.1).